The following is an entry in ClinVar:

ClinVar aggregate classification (germline): Pathogenic (1 of 4 stars; one submission).

Conditions:
Primary ciliary dyskinesia. Also called: Ciliary dyskinesia. Identifiers: Orphanet 244, MedGen C0008780, MONDO:0016575, HP:0012265.

Allele frequency attached by ClinVar (database versions not stated): gnomAD exomes below 0.00001.
gnomAD v4.1: 2 of 1,613,772 alleles (0.00012%); highest among the groups gnomAD compares: Admixed American, 0.0017%; no homozygotes.

Submission:

Labcorp Genetics (formerly Invitae), Labcorp
Classification: Pathogenic for Primary ciliary dyskinesia. Last evaluated: 2023-03-08. Review status: criteria provided, single submitter. Criteria: Invitae Variant Classification Sherloc (09022015). Collection method: clinical testing. Allele origin: germline.
Comment: Algorithms developed to predict the effect of sequence changes on RNA splicing suggest that this variant may disrupt the consensus splice site. This sequence change creates a premature translational stop signal (p.Glu509*) in the DNAAF1 gene. It is expected to result in an absent or disrupted protein product. Loss-of-function variants in DNAAF1 are known to be pathogenic (PMID: 19944400, 19944405). This variant is present in population databases (no rsID available, gnomAD 0.003%). This variant has not been reported in the literature in individuals affected with DNAAF1-related conditions. For these reasons, this variant has been classified as Pathogenic.

Literature cited by the submitters: PubMed 19944400; PubMed 19944405.

NM_178452.6(DNAAF1):c.1525G>T (p.Glu509Ter)

Gene: DNAAF1 (dynein axonemal assembly factor 1; plus strand). Cytogenetic location: 16q24.1.
Variant type: single nucleotide variant.
Coding change: c.1525G>T on transcript NM_178452.6 (MANE Select); coding-DNA position 1525, G replaced by T.
Protein change: p.Glu509Ter; replaces glutamic acid 509 with a stop codon.
Molecular consequence: nonsense.
Genome position (GRCh38, 1-based): chr16:84,170,353, G>T. VCF-style: chr16-84170353-G-T. GRCh37 (hg19) VCF-style: chr16-84203959-G-T.
Other names: c.817G>T, p.Glu273Ter (NM_001318756.1); short protein forms E273*, E509*.
Identifiers: ClinVar variation 2867981 (VCV002867981.3), dbSNP rs1295920871, ClinGen allele CA396948607.